The following is an entry in ClinVar:

NM_001042492.3(NF1):c.3197G>A (p.Arg1066Lys)

Gene: NF1 (neurofibromin 1; plus strand). Cytogenetic location: 17q11.2.
Variant type: single nucleotide variant.
Coding change: c.3197G>A on transcript NM_001042492.3 (MANE Select); coding-DNA position 3197, G replaced by A.
Protein change: p.Arg1066Lys; replaces arginine 1066 with lysine.
Molecular consequence: missense variant.
Genome position (GRCh38, 1-based): chr17:31,230,925, G>A. VCF-style: chr17-31230925-G-A. GRCh37 (hg19) VCF-style: chr17-29557943-G-A.
Other names: c.3197G>A, p.Arg1066Lys (NM_000267.4); short protein forms R1066K.
Identifiers: ClinVar variation 449425 (VCV000449425.10), dbSNP rs1555614652, ClinGen allele CA398988330.
Genomic context (GRCh38, chr17:31,230,925, plus strand): 5'-CAGACTGGGTTATGGGAACATCAAACCAAGCAGCAGATGATGATGTAAAATGTCTTACAA[G>A]GTAAAAAAAGAATGACCTTCAAGTATTAGTGGGTTTTACTGTGAGAGTTATAACTACTTA-3'
Protein context (NP_001035957.1, residues 1056-1076): AADDDVKCLT[Arg1066Lys]DLDQASMEAV

ClinVar aggregate classification (germline): Conflicting classifications of pathogenicity. Review status: criteria provided, conflicting classifications (1 of 4 stars). 4 submissions from 4 submitters: Pathogenic (1); Likely pathogenic (2); Uncertain significance (1). Last evaluated 2025-09-02.

Conditions:
Hereditary cancer-predisposing syndrome. Also called: Neoplastic Syndromes, Hereditary; Hereditary Cancer Syndrome; Hereditary neoplastic syndrome; Tumor predisposition. Identifiers: Orphanet 140162, MedGen C0027672, MeSH D009386, MONDO:0015356.
Cardiovascular phenotype. Identifiers: MedGen CN230736.
Neurofibromatosis, type 1 (NF1). Also called: VON RECKLINGHAUSEN DISEASE; Peripheral type neurofibromatosis; NEUROFIBROMATOSIS, TYPE I, SOMATIC; Neurofibromatosis, type I. Identifiers: Orphanet 636, MedGen C0027831, MONDO:0018975, OMIM 162200. Disease mechanism: loss of function.

Submissions (4):

Labcorp Genetics (formerly Invitae), Labcorp
Classification: Pathogenic for Neurofibromatosis, type 1. Last evaluated: 2025-09-02. Review status: criteria provided, single submitter. Criteria: Invitae Variant Classification Sherloc (09022015). Collection method: clinical testing. Allele origin: germline.
Comment: This sequence change replaces arginine, which is basic and polar, with lysine, which is basic and polar, at codon 1066 of the NF1 protein (p.Arg1066Lys). This variant also falls at the last nucleotide of exon 24, which is part of the consensus splice site for this exon. This variant is not present in population databases (gnomAD no frequency). This missense change has been observed in individual(s) with clinical features of NF1-related conditions (PMID: 39001468; internal data). Invitae Evidence Modeling of clinical and family history, age, sex, and reported ancestry of multiple individuals with this NF1 variant has been performed. This variant is expected to be pathogenic with a positive predictive value of at least 99%. This is a validated machine learning model that incorporates the clinical features of 1,785,918 individuals referred to our laboratory for NF1 testing. ClinVar contains an entry for this variant (Variation ID: 449425). An algorithm developed to predict the effect of missense changes on protein structure and function (PolyPhen-2) suggests that this variant is likely to be disruptive. Variants that disrupt the consensus splice site are a relatively common cause of aberrant splicing (PMID: 17576681, 9536098). Algorithms developed to predict the effect of sequence changes on RNA splicing suggest that this variant may disrupt the consensus splice site. This variant disrupts the c.3197G nucleotide in the NF1 gene. Other variant(s) that disrupt this nucleotide have been determined to be pathogenic (internal data). This suggests that this nucleotide is clinically significant, and that variants that disrupt this position are likely to be disease-causing. For these reasons, this variant has been classified as Pathogenic.

Ambry Genetics
Classification: Likely pathogenic for Cardiovascular phenotype; Hereditary cancer-predisposing syndrome. Last evaluated: 2024-03-14. Review status: criteria provided, single submitter. Criteria: Ambry Variant Classification Scheme 2023. Collection method: clinical testing. Allele origin: germline.
Comment: The c.3197G>A variant (also known as p.R1066K), located in coding exon 24 of the NF1 gene, results from a G to A substitution at nucleotide position 3197. The amino acid change results in arginine to lysine at codon 1066, an amino acid with highly similar properties. However, this change occurs in the last base pair of coding exon 24, which makes it likely to have some effect on normal mRNA splicing. This variant was reported in individuals with features consistent with Neurofibromatosis type 1 (van Minkelen R et al. Clin Genet, 2014 Apr;85:318-27). This variant is considered to be rare based on population cohorts in the Genome Aggregation Database (gnomAD). This nucleotide position is highly conserved in available vertebrate species. In silico splice site analysis predicts that this alteration will weaken the native splice donor site. RNA studies have demonstrated that this alteration results in abnormal splicing in the set of samples tested (Ambry internal data). Based on the majority of available evidence to date, this variant is likely to be pathogenic.

Blueprint Genetics
Classification: Uncertain significance. Last evaluated: 2023-03-10. Review status: criteria provided, single submitter. Criteria: ACMG Guidelines, 2015. Collection method: clinical testing. Allele origin: germline.

GeneDx
Classification: Likely pathogenic. Last evaluated: 2017-08-03. Review status: criteria provided, single submitter. Criteria: GeneDx Variant Classification (06012015). Collection method: clinical testing. Allele origin: germline. Affected: yes.
Comment: The R1066K variant has been reported in the Human Gene Mutation Database in association with neurofibromatosis type 1; however, the variant was obtained via personal communication and no additional information is available (Stenson et al., 2014). The variant is not observed in large population cohorts (Lek et al., 2016; 1000 Genomes Consortium et al., 2015; Exome Variant Server). R1066K is a conservative amino acid substitution, which is not likely to impact secondary protein structure as these residues share similar properties. However, this substitution occurs at a position within the GTPase activating domain that is conserved across species. In silico analysis predicts R1066K results in the loss of the natural splice donor site of intron 24. However, in the absence of RNA/functional studies, the actual effect of this sequence change is unknown. In summary, this variant is likely pathogenic; however, the possibility that it is benign cannot be excluded.

Literature cited by the submitters: PubMed 39001468 (cited by Labcorp Genetics (formerly Invitae), Labcorp); PubMed 17576681 (cited by Labcorp Genetics (formerly Invitae), Labcorp); PubMed 9536098 (cited by Labcorp Genetics (formerly Invitae), Labcorp).